The following is an entry in ClinVar:

ClinVar aggregate classification (germline): Uncertain significance (1 of 4 stars; one submission).

gnomAD v4.1: 1 of 1,613,930 alleles (0.000062%); highest among the groups gnomAD compares: African/African-American, 0.0013%; no homozygotes.

Submission:

Ambry Genetics
Classification: Uncertain significance. Last evaluated: 2026-06-05. Review status: criteria provided, single submitter. Criteria: Ambry Variant Classification Scheme 2023. Collection method: clinical testing. Allele origin: germline.
Comment: The p.R799S variant (also known as c.2397A>T), located in coding exon 13 of the GEN1 gene, results from an A to T substitution at nucleotide position 2397. The arginine at codon 799 is replaced by serine, an amino acid with dissimilar properties. This amino acid position is conserved. In addition, this alteration is predicted to be tolerated by in silico analysis. Based on the available evidence, the clinical significance of this variant remains unclear.

NM_001130009.3(GEN1):c.2397A>T (p.Arg799Ser)

Gene: GEN1 (GEN1 structure-specific endonuclease; plus strand). Cytogenetic location: 2p24.2.
Variant type: single nucleotide variant.
Coding change: c.2397A>T on transcript NM_001130009.3 (MANE Select); coding-DNA position 2397, A replaced by T.
Protein change: p.Arg799Ser; replaces arginine 799 with serine.
Molecular consequence: missense variant.
Genome position (GRCh38, 1-based): chr2:17,781,609, A>T. VCF-style: chr2-17781609-A-T. GRCh37 (hg19) VCF-style: chr2-17962876-A-T.
Other names: c.2397A>T, p.Arg799Ser (NM_182625.5); short protein forms R799S.
Identifiers: ClinVar variation 4858007 (VCV004858007.1).